The following is an entry in ClinVar:

NM_000268.4(NF2):c.432C>A (p.Tyr144Ter)

Gene: NF2 (NF2, moesin-ezrin-radixin like (MERLIN) tumor suppressor; plus strand). Cytogenetic location: 22q12.2.
Variant type: single nucleotide variant.
Coding change: c.432C>A on transcript NM_000268.4 (MANE Select); coding-DNA position 432, C replaced by A.
Protein change: p.Tyr144Ter; replaces tyrosine 144 with a stop codon.
Molecular consequence: nonsense. On other transcripts: 5 prime UTR variant (1), non-coding transcript variant (1).
Genome position (GRCh38, 1-based): chr22:29,642,270, C>A. VCF-style: chr22-29642270-C-A. GRCh37 (hg19) VCF-style: chr22-30038259-C-A.
Other names: c.432C>A, p.Tyr144Ter (NM_001407060.1, NM_001407066.1, NM_016418.5 and 5 more transcripts); c.309C>A, p.Tyr103Ter (NM_001407062.1, NM_181829.3, NM_001407054.1 and 1 more transcripts); c.183C>A, p.Tyr61Ter (NM_001407063.1, NM_001407064.1, NM_181830.3 and 1 more transcripts); c.-209C>A (NM_001407065.1); c.201C>A, p.Tyr67Ter (NM_001407067.1); c.306C>A, p.Tyr102Ter (NM_181828.3, NM_001407055.1); c.318C>A, p.Tyr106Ter (NM_001407053.1, NM_001407056.1); short protein forms Y102*, Y103*, Y106*, Y144*, Y61*, Y67*.
Identifiers: ClinVar variation 3381977 (VCV003381977.2).

ClinVar aggregate classification (germline): Pathogenic (1 of 4 stars; one submission).

Conditions:
Neurofibromatosis, type 2 (SWNV). Also called: NF2-Related Schwannomatosis; BILATERAL ACOUSTIC NEUROFIBROMATOSIS; SCHWANNOMATOSIS, VESTIBULAR. Identifiers: Orphanet 637, MedGen C0027832, MONDO:0007039, OMIM 101000. Disease mechanism: loss of function.

Submission:

Juno Genomics, Hangzhou Juno Genomics, Inc
Classification: Pathogenic for Neurofibromatosis, type 2. Review status: criteria provided, single submitter. Criteria: ACMG Guidelines, 2015. Collection method: clinical testing. Allele origin: germline. Affected: yes.
Comment: Absent from controls (or at extremely low frequency if recessive) in Genome Aggregation Database, Exome Sequencing Project, 1000 Genomes Project, or Exome Aggregation Consortium.;Null variant in a gene where loss of function (LOF) is a known mechanism of disease.;Assumed de novo, but without confirmation of paternity and maternity.;The prevalence of the variant in affected individuals is significantly increased compared to the prevalence in controls.